The following is an entry in ClinVar:

ClinVar aggregate classification (germline): Uncertain significance (1 of 4 stars; one submission).

Allele frequency attached by ClinVar (database versions not stated): ExAC 0.00001; gnomAD exomes 0.00001.
gnomAD v4.1: 11 of 1,607,972 alleles (0.00068%); highest among the groups gnomAD compares: South Asian, 0.011%; 1 homozygote.

Submission:

Quest Diagnostics Nichols Institute San Juan Capistrano
Classification: Uncertain significance. Last evaluated: 2022-12-22. Review status: criteria provided, single submitter. Criteria: Quest Diagnostics criteria. Collection method: clinical testing. Allele origin: unknown.
Comment: The HBA2 c.*36G>T variant has not been reported in the published literature. The frequency of this variant in the general population, 0.0000081 (2/248016 chromosomes), is uninformative in assessment of its pathogenicity. Analysis of this variant using software algorithms for the prediction of the effect of nucleotide changes on splicing yielded predictions that this variant does not affect HBA2 mRNA splicing . Based on the available information, we are unable to determine the clinical significance of this variant.

NM_000517.6(HBA2):c.*36G>T

Genes: HBA2 (hemoglobin subunit alpha 2; plus strand), LOC106804612 (hemoglobin subunit alpha 2 recombination region; plus strand). Cytogenetic location: 16p13.3.
Variant type: single nucleotide variant.
Coding change: c.*36G>T on transcript NM_000517.6 (MANE Select); 36 bases downstream of the stop codon, G replaced by T.
Molecular consequence: 3 prime UTR variant.
Genome position (GRCh38, 1-based): chr16:173,636, G>T. VCF-style: chr16-173636-G-T. GRCh37 (hg19) VCF-style: chr16-223635-G-T.
Identifiers: ClinVar variation 2681963 (VCV002681963.1), dbSNP rs748068060, ClinGen allele CA7770201.